The following is an entry in ClinVar:

NM_001100.4(ACTA1):c.809-14G>C

Gene: ACTA1 (actin alpha 1, skeletal muscle; minus strand). Cytogenetic location: 1q42.13.
Variant type: single nucleotide variant.
Coding change: c.809-14G>C on transcript NM_001100.4 (MANE Select); 14 bases into the intron before coding-DNA position 809, G replaced by C.
Molecular consequence: intron variant.
Genome position (GRCh38, 1-based): chr1:229,431,916, C>G on the plus strand (G>C on the coding strand, the complement: ACTA1 is on the minus strand). VCF-style: chr1-229431916-C-G. GRCh37 (hg19) VCF-style: chr1-229567663-C-G.
Identifiers: ClinVar variation 93552 (VCV000093552.28), dbSNP rs6673359, ClinGen allele CA147048.

ClinVar aggregate classification (germline): Benign. Review status: reviewed by expert panel (3 of 4 stars). 13 submissions from 11 submitters: Benign (1). 12 of the submissions do not count toward it. Last evaluated 2024-08-27.

Conditions:
Familial restrictive cardiomyopathy (RCM). Identifiers: Orphanet 217635, MedGen C0340429, MONDO:0016340.
Actin accumulation myopathy (CMYO2A). Also called: Nemaline myopathy type 3; Myopathy, actin, congenital, with excess of thin myofilaments; CONGENITAL MYOPATHY 2A, TYPICAL, AUTOSOMAL DOMINANT; Myopathy, actin, congenital, with cores; Nemaline myopathy 3, with intranuclear rods. Identifiers: Orphanet 98904, MedGen C3711389, MONDO:0008070, OMIM 161800.
Congenital myopathy with fiber type disproportion. Also called: Congenital fiber-type disproportion myopathy; Congenital fiber-type disproportion. Identifiers: Orphanet 2020, MedGen C0546264, MONDO:0009711. Inheritance: all.
Alpha-actinopathy. Also called: Actinopathy. Identifiers: MedGen CN295279, MONDO:0100084.

Allele frequency attached by ClinVar (database versions not stated): 1000 Genomes Project 0.13977; ESP Exome Variant Server 0.14142; TOPMed 0.28106.

Submissions (13):

ClinGen Congenital Myopathies Variant Curation Expert Panel, ClinGen
Classification: Benign for Alpha-actinopathy. Last evaluated: 2024-08-27. Review status: reviewed by expert panel. Criteria: ClinGen CongenMyopathy ACMG Specifications ACTA1_AD_ V2.0.0. Collection method: curation. Allele origin: germline. Inheritance: Autosomal dominant inheritance.
Comment: The NM_001100.4:c.809-14G>C variant in ACTA1 is an intronic variant which is located in the 3’ non-canonical splice site of intron 5. The population filtering allele frequency in gnomAD v4.1.0 is 0.4599 (34684/74748 alleles with 8023 homozygotes) in the African/African American population, which is higher than the ClinGen Congenital Myopathies VCEP threshold (≥0.0025 for AR, ≥0.00000781 for AD) for BA1, and therefore meets this criterion (BA1). The results from the in silico predictor, SpliceAI, suggest that the variant does not impact ACTA1 function and it occurs at a nucleotide that is not conserved as shown by the UCSC Browser (BP4, BP7). In summary, this variant meets the criteria to be classified as benign for alpha-actinopathy based on the ACMG/AMP criteria applied, as specified by the ClinGen Congenital Myopathies VCEP: BA1, BP4, BP7 (ClinGen Congenital Myopathies VCEP specifications version 2; 08/27/2024).

Labcorp Genetics (formerly Invitae), Labcorp
Classification: Benign for Actin accumulation myopathy. Last evaluated: 2026-02-04. Review status: criteria provided, single submitter. Criteria: Invitae Variant Classification Sherloc (09022015). Collection method: clinical testing. Allele origin: germline. Not counted in ClinVar's aggregate classification.

Blueprint Genetics
Classification: Likely benign. Last evaluated: 2024-11-26. Review status: criteria provided, single submitter. Criteria: ACMG Guidelines, 2015. Collection method: clinical testing. Allele origin: germline. Not counted in ClinVar's aggregate classification.

Illumina Laboratory Services, Illumina
Classification: Benign for Actin accumulation myopathy. Last evaluated: 2018-01-13. Review status: criteria provided, single submitter. Criteria: ICSL Variant Classification Criteria 13 December 2019. Collection method: clinical testing. Allele origin: germline. Not counted in ClinVar's aggregate classification.
Comment: This variant was observed in the ICSL laboratory as part of a predisposition screen in an ostensibly healthy population. It had not been previously curated by ICSL or reported in the Human Gene Mutation Database (HGMD: prior to June 1st, 2018), and was therefore a candidate for classification through an automated scoring system. Utilizing variant allele frequency, disease prevalence and penetrance estimates, and inheritance mode, an automated score was calculated to assess if this variant is too frequent to cause the disease. Based on the score and internal cut-off values, a variant classified as benign is not then subjected to further curation. The score for this variant resulted in a classification of benign for this disease.

Illumina Laboratory Services, Illumina
Classification: Benign for Congenital myopathy 4A, autosomal dominant. Last evaluated: 2018-01-13. Review status: criteria provided, single submitter. Criteria: ICSL Variant Classification Criteria 13 December 2019. Collection method: clinical testing. Allele origin: germline. Not counted in ClinVar's aggregate classification.
Comment: the same text as in the submission from Illumina Laboratory Services, Illumina above.

Illumina Laboratory Services, Illumina
Classification: Benign for Familial restrictive cardiomyopathy. Last evaluated: 2018-01-13. Review status: criteria provided, single submitter. Criteria: ICSL Variant Classification Criteria 13 December 2019. Collection method: clinical testing. Allele origin: germline. Not counted in ClinVar's aggregate classification.
Comment: the same text as in the submission from Illumina Laboratory Services, Illumina above.

GeneDx
Classification: Benign. Last evaluated: 2015-03-03. Review status: criteria provided, single submitter. Criteria: GeneDx Variant Classification Process June 2021. Collection method: clinical testing. Allele origin: germline. Affected: yes. Not counted in ClinVar's aggregate classification.

Laboratory for Molecular Medicine, Mass General Brigham Personalized Medicine
Classification: Benign. Last evaluated: 2015-01-13. Review status: criteria provided, single submitter. Criteria: LMM Criteria. Collection method: clinical testing. Allele origin: germline. Observed: 2 variant alleles. Not counted in ClinVar's aggregate classification.
Comment: c.809-14G>C in intron 5 of ACTA1: This variant is not expected to have clinical significance because it has been identified in 35.3% (1554/4404) of African Amer ican chromosomes from a broad population by the NHLBI Exome Sequencing Project (dbSNP rs6673359).

Eurofins Ntd Llc (ga)
Classification: Benign. Last evaluated: 2013-08-22. Review status: criteria provided, single submitter. Criteria: EGL Classification Definitions 2015. Collection method: clinical testing. Allele origin: germline. Observed: 18 variant alleles, 13 heterozygotes, 5 homozygotes. Not counted in ClinVar's aggregate classification.

Breakthrough Genomics
Classification: Benign. Review status: criteria provided, single submitter. Criteria: ACMG Guidelines, 2015. Collection method: not provided. Allele origin: germline. Inheritance: Autosomal recessive inheritance. Affected: yes. Not counted in ClinVar's aggregate classification.

PreventionGenetics, part of Exact Sciences
Classification: Benign. Review status: criteria provided, single submitter. Criteria: ACMG Guidelines, 2015. Collection method: clinical testing. Allele origin: germline. Not counted in ClinVar's aggregate classification.

Genome Diagnostics Laboratory, University Medical Center Utrecht
Classification: Benign. Review status: no assertion criteria provided. Collection method: clinical testing. Allele origin: germline. Affected: yes. Study: VKGL Data-share Consensus. Not counted in ClinVar's aggregate classification.

Joint Genome Diagnostic Labs from Nijmegen and Maastricht, Radboudumc and MUMC+
Classification: Benign. Review status: no assertion criteria provided. Collection method: clinical testing. Allele origin: germline. Affected: yes. Study: VKGL Data-share Consensus. Not counted in ClinVar's aggregate classification.